The following is an entry in ClinVar:

NM_004371.4(COPA):c.94G>A (p.Val32Ile)

Gene: COPA (coat protein complex I subunit alpha; minus strand). Cytogenetic location: 1q23.2.
Variant type: single nucleotide variant.
Coding change: c.94G>A on transcript NM_004371.4 (MANE Select); coding-DNA position 94, G replaced by A.
Protein change: p.Val32Ile; replaces valine 32 with isoleucine.
Molecular consequence: missense variant.
Genome position (GRCh38, 1-based): chr1:160,340,241, C>T on the plus strand (G>A on the coding strand, the complement: COPA is on the minus strand). VCF-style: chr1-160340241-C-T. GRCh37 (hg19) VCF-style: chr1-160310031-C-T.
Other names: c.94G>A, p.Val32Ile (NM_001098398.2); short protein forms V32I.
Identifiers: ClinVar variation 4771204 (VCV004771204.1).

ClinVar aggregate classification (germline): Uncertain significance (1 of 4 stars; one submission).

Conditions:
Autoimmune interstitial lung disease-arthritis syndrome. Also called: Autoinflammation and autoimmunity, systemic, with immune dysregulation. Identifiers: Orphanet 444092, MedGen C5975714, MONDO:0014629.

Submission:

Labcorp Genetics (formerly Invitae), Labcorp
Classification: Uncertain significance for Autoimmune interstitial lung disease-arthritis syndrome. Last evaluated: 2025-09-06. Review status: criteria provided, single submitter. Criteria: Invitae Variant Classification Sherloc (09022015). Collection method: clinical testing. Allele origin: germline.
Comment: This sequence change replaces valine, which is neutral and non-polar, with isoleucine, which is neutral and non-polar, at codon 32 of the COPA protein (p.Val32Ile). The frequency data for this variant in the population databases is considered unreliable, as metrics indicate poor data quality at this position in the gnomAD database. This variant has not been reported in the literature in individuals affected with COPA-related conditions. Invitae Evidence Modeling of protein sequence and biophysical properties (such as structural, functional, and spatial information, amino acid conservation, physicochemical variation, residue mobility, and thermodynamic stability) indicates that this missense variant is not expected to disrupt COPA protein function with a negative predictive value of 80%. In summary, the available evidence is currently insufficient to determine the role of this variant in disease. Therefore, it has been classified as a Variant of Uncertain Significance.